The following is an entry in ClinVar:

ClinVar aggregate classification (germline): Likely pathogenic. Review status: criteria provided, multiple submitters, no conflicts (2 of 4 stars). 6 submissions from 6 submitters: Likely pathogenic (3). 3 of the submissions do not count toward it. Last evaluated 2025-09-29.
ClinVar aggregate classification (somatic clinical impact): Tier II - Potential (1 of 4 stars; one submission).
ClinVar aggregate classification (oncogenicity): Oncogenic (1 of 4 stars; one submission).

Conditions:
Thyroid cancer, nonmedullary, 2 (NMTC2). Also called: THYROID CANCER, NONMEDULLARY, 2, SUSCEPTIBILITY TO; THYROID CARCINOMA, FOLLICULAR; Thyroid carcinoma, follicular, somatic. Identifiers: MedGen C4225426, MONDO:0008566, OMIM 188470.
Large congenital melanocytic nevus (CMNS). Also called: Giant hairy nevus; Bathing trunk nevus; Congenital giant pigmented nevus; PIGMENTED MOLES; Congenital giant melanocytic nevus; MELANOCYTIC NEVUS SYNDROME, CONGENITAL, SOMATIC. Identifiers: Orphanet 626, MedGen C1842036, MONDO:0044792, OMIM 137550, HP:0005600.
Linear nevus sebaceous syndrome. Also called: SFM SYNDROME; Sebaceous nevus syndrome and hemimegalencephaly; Linear nevus sebaceous; JADASSOHN NEVUS PHAKOMATOSIS; NEVUS SEBACEUS OF JADASSOHN; ORGANOID NEVUS PHAKOMATOSIS. Identifiers: Orphanet 2612, MedGen C4552097, MONDO:0008097, OMIM 163200, HP:0010817.
Malignant tumor of urinary bladder. Also called: Urinary bladder cancer; Urinary Bladder Neoplasms; Bladder cancer. Identifiers: MedGen C0005684, MONDO:0001187, OMIM 109800.
Costello syndrome (CSTLO). Also called: HRAS-Related Costello Syndrome; FACIOCUTANEOSKELETAL SYNDROME; FCS SYNDROME. Identifiers: Orphanet 3071, MedGen C0587248, MONDO:0009026, OMIM 218040.
Epidermal nevus. Also called: Nevus, epidermal, somatic; NEVUS, KERATINOCYTIC, NONEPIDERMOLYTIC. Identifiers: Orphanet 79414, MedGen C0334082, MONDO:0008093, OMIM 162900, HP:0010816.
Vascular Tumors Including Pyogenic Granuloma.
Salivary gland neoplasm. Also called: Tumor of salivary gland. Identifiers: MedGen C0036095, MONDO:0021357, HP:0100684.
Noonan syndrome and Noonan-related syndrome. Identifiers: Orphanet 98733, MedGen C5681679, MONDO:0020297.
Neuroblastoma (NB). Identifiers: Orphanet 635, MedGen C0027819, MeSH D009447, MONDO:0005072, HP:0003006.
Neoplasm. Also called: tumor; Neoplasms; Neoplasm (disease). Identifiers: MedGen C0027651, MeSH D009369, MONDO:0005070, HP:0002664.

Submissions (8):

Center for Genomic Medicine, Rigshospitalet, Copenhagen University Hospital
Classification: Oncogenic for Neoplasm. Last evaluated: 2025-12-29. Review status: criteria provided, single submitter. Criteria: ClinGen/CGC/VICC Guidelines for Oncogenicity, 2022. Collection method: clinical testing. Allele origin: somatic. Affected: yes.

GeneDx
Classification: Likely pathogenic. Last evaluated: 2025-09-29. Review status: criteria provided, single submitter. Criteria: GeneDx Variant Classification Process June 2021. Collection method: clinical testing. Allele origin: germline. Affected: yes.
Comment: Identified in POC with non-immune hydrops fetalis in published literature (PMID: 35397126); Not observed at significant frequency in large population cohorts (gnomAD); In silico analysis supports that this missense variant has a deleterious effect on protein structure/function; Missense variants in this gene are a common cause of disease and they are underrepresented in the general population; This variant is associated with the following publications: (PMID: 25883647, 27635947, 24224811, 29493581, 32434131, 35397126, 25695684, 24006476)

Institute for Genomic Medicine (IGM) Clinical Laboratory, Nationwide Children's Hospital
Classification: Tier II - Potential for Neuroblastoma. Assertion type: diagnostic. Clinical significance: supports diagnosis. Last evaluated: 2025-04-11. Review status: criteria provided, single submitter. Criteria: AMP/ASCO/CAP Guidelines, 2017. Collection method: clinical testing. Allele origin: somatic. Affected: yes.
Comment: Variant has Tier II (potential) clinical significance as a diagnostic inclusion criterion in neuroblastoma, based on the following evidence: 1) Documented in one or more cancer databases (e.g., St. Jude Pecan, COSMIC, CIViC, OncoKB). 2) Information in the literature supports potential biologic effect of variant (PMIDs: 9219684, 26544513, 23934677). 3) Diagnostic significance based on multiple small studies (Evidence Level C; PMIDs: 30523111, 33056981, 26121087, 26121086, 40036726).

Genome Diagnostics Laboratory, The Hospital for Sick Children
Classification: Likely pathogenic for Noonan syndrome and Noonan-related syndrome. Last evaluated: 2021-06-25. Review status: criteria provided, single submitter. Criteria: ACMG Guidelines, 2015. Collection method: clinical testing. Allele origin: germline. Affected: yes.

Juno Genomics, Hangzhou Juno Genomics, Inc
Classification: Likely pathogenic for Malignant tumor of urinary bladder; Costello syndrome; Epidermal nevus; Linear nevus sebaceous syndrome; Large congenital melanocytic nevus; Thyroid cancer, nonmedullary, 2. Review status: criteria provided, single submitter. Criteria: ACMG Guidelines, 2015. Collection method: clinical testing. Allele origin: germline. Affected: yes.
Comment: Absent from controls (or at extremely low frequency if recessive) in Genome Aggregation Database, Exome Sequencing Project, 1000 Genomes Project, or Exome Aggregation Consortium.;Multiple lines of computational evidence support a deleterious effect on the gene or gene product (conservation, evolutionary, splicing impact, etc).;Novel missense change at an amino acid residue where a different missense change determined to be pathogenic has been seen before.;De novo (both maternity and paternity confirmed) in a patient with the disease and no family history.;The prevalence of the variant in affected individuals is significantly increased compared to the prevalence in controls.

Yale Center for Mendelian Genomics, Yale University
Classification: Likely pathogenic for Vascular Tumors Including Pyogenic Granuloma. Last evaluated: 2015-02-19. Review status: no assertion criteria provided. Collection method: literature only. Allele origin: somatic. Affected: yes. Observed: 2 heterozygotes. Not counted in ClinVar's aggregate classification.

OMIM
Classification: Pathogenic for SCHIMMELPENNING-FEUERSTEIN-MIMS SYNDROME, SOMATIC MOSAIC. Last evaluated: 2014-01-15. Review status: no assertion criteria provided. Collection method: literature only. Allele origin: somatic. Not counted in ClinVar's aggregate classification.

Department of Medical Oncology, City of Hope
Classification: Pathogenic for Salivary gland neoplasm. Review status: no assertion criteria provided. Collection method: clinical testing. Allele origin: somatic. Inheritance: Somatic mutation. Affected: yes. Not counted in ClinVar's aggregate classification.

Literature cited by the submitters: PubMed 3510078 (cited by Center for Genomic Medicine, Rigshospitalet, Copenhagen University Hospital); PubMed 9219684 (cited by Institute for Genomic Medicine (IGM) Clinical Laboratory, Nationwide Children's Hospital); PubMed 26544513 (cited by Institute for Genomic Medicine (IGM) Clinical Laboratory, Nationwide Children's Hospital); PubMed 23934677 (cited by Institute for Genomic Medicine (IGM) Clinical Laboratory, Nationwide Children's Hospital); PubMed 30523111 (cited by Institute for Genomic Medicine (IGM) Clinical Laboratory, Nationwide Children's Hospital); PubMed 33056981 (cited by Institute for Genomic Medicine (IGM) Clinical Laboratory, Nationwide Children's Hospital); PubMed 26121087 (cited by Institute for Genomic Medicine (IGM) Clinical Laboratory, Nationwide Children's Hospital); PubMed 26121086 (cited by Institute for Genomic Medicine (IGM) Clinical Laboratory, Nationwide Children's Hospital); PubMed 40036726 (cited by Institute for Genomic Medicine (IGM) Clinical Laboratory, Nationwide Children's Hospital); PubMed 25695684 (cited by Yale Center for Mendelian Genomics, Yale University); PubMed 24006476 (cited by OMIM).

NM_005343.4(HRAS):c.182A>G (p.Gln61Arg)

Genes: HRAS (HRas proto-oncogene, GTPase; minus strand), LRRC56 (leucine rich repeat containing 56; plus strand). Cytogenetic location: 11p15.5.
Variant type: single nucleotide variant.
Coding change: c.182A>G on transcript NM_005343.4 (MANE Select); coding-DNA position 182, A replaced by G.
Protein change: p.Gln61Arg; replaces glutamine 61 with arginine.
Molecular consequence: missense variant. On other transcripts: 5 prime UTR variant (1).
Genome position (GRCh38, 1-based): chr11:533,874, T>C on the plus strand (A>G on the coding strand, the complement: HRAS is on the minus strand). VCF-style: chr11-533874-T-C. GRCh37 (hg19) VCF-style: chr11-533874-T-C.
Other names: p.Q61R:CAG>CGG; c.182A>G, p.Gln61Arg (NM_001130442.3, NM_176795.5); c.-138A>G (NM_001318054.2); short protein forms Q61R.
Identifiers: ClinVar variation 160364 (VCV000160364.12), dbSNP rs121913233, ClinGen allele CA173968.